The following is an entry in ClinVar:

ClinVar aggregate classification (germline): Benign. Review status: criteria provided, multiple submitters, no conflicts (2 of 4 stars). 4 submissions from 3 submitters: Benign (4). Last evaluated 2018-01-13.

Conditions:
Arrhythmogenic right ventricular dysplasia 2. Identifiers: MedGen C1832931.
Catecholaminergic polymorphic ventricular tachycardia 1. Also called: VENTRICULAR TACHYCARDIA, CATECHOLAMINERGIC POLYMORPHIC, 1, WITH OR WITHOUT ATRIAL DYSFUNCTION AND/OR DILATED CARDIOMYOPATHY; VENTRICULAR TACHYCARDIA, STRESS-INDUCED POLYMORPHIC 1; RYR2-Related Catecholaminergic Polymorphic Ventricular Tachycardia. Identifiers: Orphanet 3286, MedGen C1631597, MONDO:0011484, OMIM 604772.

Allele frequency attached by ClinVar (database versions not stated): TOPMed 0.04030; 1000 Genomes Project 0.04852; 1000 Genomes Project 30x 0.04966.
gnomAD v4.1: 18,538 of 552,284 alleles (3.4%); highest among the groups gnomAD compares: African/African-American, 7.2%; 426 homozygotes.

Submissions (4):

Illumina Laboratory Services, Illumina
Classification: Benign for Catecholaminergic polymorphic ventricular tachycardia 1. Last evaluated: 2018-01-13. Review status: criteria provided, single submitter. Criteria: ICSL Variant Classification Criteria 13 December 2019. Collection method: clinical testing. Allele origin: germline.
Comment: This variant was observed in the ICSL laboratory as part of a predisposition screen in an ostensibly healthy population. It had not been previously curated by ICSL or reported in the Human Gene Mutation Database (HGMD: prior to June 1st, 2018), and was therefore a candidate for classification through an automated scoring system. Utilizing variant allele frequency, disease prevalence and penetrance estimates, and inheritance mode, an automated score was calculated to assess if this variant is too frequent to cause the disease. Based on the score and internal cut-off values, a variant classified as benign is not then subjected to further curation. The score for this variant resulted in a classification of benign for this disease.

Illumina Laboratory Services, Illumina
Classification: Benign for Catecholaminergic polymorphic ventricular tachycardia 1. Last evaluated: 2018-01-13. Review status: criteria provided, single submitter. Criteria: ICSL Variant Classification Criteria 13 December 2019. Collection method: clinical testing. Allele origin: germline.
Comment: the same text as in the submission from Illumina Laboratory Services, Illumina above.

GeneDx
Classification: Benign. Last evaluated: 2015-03-03. Review status: criteria provided, single submitter. Criteria: GeneDx Variant Classification Process June 2021. Collection method: clinical testing. Allele origin: germline. Affected: yes.

Breakthrough Genomics
Classification: Benign. Review status: criteria provided, single submitter. Criteria: ACMG Guidelines, 2015. Collection method: not provided. Allele origin: germline. Inheritance: Autosomal dominant inheritance. Affected: yes.

NM_001035.3(RYR2):c.*129C>G

Gene: RYR2 (ryanodine receptor 2; plus strand). Cytogenetic location: 1q43.
Variant type: single nucleotide variant.
Coding change: c.*129C>G on transcript NM_001035.3 (MANE Select); 129 bases downstream of the stop codon, C replaced by G.
Molecular consequence: 3 prime UTR variant.
Genome position (GRCh38, 1-based): chr1:237,832,776, C>G. VCF-style: chr1-237832776-C-G. GRCh37 (hg19) VCF-style: chr1-237996076-C-G.
Other names: c.*129C>G (LRG_402t1).
Identifiers: ClinVar variation 296772 (VCV000296772.9), dbSNP rs16835891, ClinGen allele CA10609578.
Genomic context (GRCh38, chr1:237,832,776, plus strand): 5'-CTCTTGGAAACATTTTGCTGATTTTGTGAATTGCCAGCGTTGTGTGTTTTCTGGGAGCAT[C>G]GAAGCTCTGTTTCGGAAGAGCTGTTTCCTCCCCCCACCTTTTGTATTTACTTTGAGACTA-3'